The following is an entry in ClinVar:

NM_001267550.2(TTN):c.72180A>G (p.Thr24060=)

Genes: TTN (titin; minus strand), TTN-AS1 (TTN antisense RNA 1; plus strand). Cytogenetic location: 2q31.2.
Variant type: single nucleotide variant.
Coding change: c.72180A>G on transcript NM_001267550.2 (MANE Select); coding-DNA position 72180, A replaced by G.
Protein change: p.Thr24060=; no amino-acid change (threonine 24060 retained).
Molecular consequence: synonymous variant.
Genome position (GRCh38, 1-based): chr2:178,573,952, T>C on the plus strand (A>G on the coding strand, the complement: TTN is on the minus strand). VCF-style: chr2-178573952-T-C. GRCh37 (hg19) VCF-style: chr2-179438679-T-C.
Other names: c.67257A>G, p.Thr22419= (NM_001256850.1); c.44985A>G, p.Thr14995= (NM_003319.4); c.64476A>G, p.Thr21492= (NM_133378.4); c.45360A>G, p.Thr15120= (NM_133432.3); c.45561A>G, p.Thr15187= (NM_133437.4).
Identifiers: ClinVar variation 191902 (VCV000191902.4), dbSNP rs786205320, ClinGen allele CA237827.

ClinVar aggregate classification (germline): Conflicting classifications of pathogenicity. Review status: criteria provided, conflicting classifications (1 of 4 stars). 2 submissions from 2 submitters: Uncertain significance (1); Likely benign (1). Last evaluated 2023-03-13.

Conditions:
Dilated cardiomyopathy 1G (CMD1G). Identifiers: Orphanet 154, MedGen C1858763, MONDO:0011400, OMIM 604145.
Autosomal recessive limb-girdle muscular dystrophy type 2J (LGMDR10). Also called: Limb-girdle muscular dystrophy, type 2J; MUSCULAR DYSTROPHY, LIMB-GIRDLE, AUTOSOMAL RECESSIVE 10. Identifiers: Orphanet 140922, MedGen C1837342, MONDO:0012127, OMIM 608807.

Submissions (2):

Labcorp Genetics (formerly Invitae), Labcorp
Classification: Likely benign for Dilated cardiomyopathy 1G; Autosomal recessive limb-girdle muscular dystrophy type 2J. Last evaluated: 2023-03-13. Review status: criteria provided, single submitter. Criteria: Invitae Variant Classification Sherloc (09022015). Collection method: clinical testing. Allele origin: germline.

Biesecker Lab/Clinical Genomics Section, National Institutes of Health
Classification: Uncertain significance. Last evaluated: 2013-06-24. Review status: criteria provided, single submitter. Criteria: Ng et al. (Circ Cardiovasc Genet. 2013). Collection method: research. Allele origin: unknown. Observed: 1 variant allele. Study: ClinSeq.
Comment: The study set was not selected for affection status in relation to any cancer. Pathogenicity categories were based on literature curation. See Pubmed ID:23861362 for details.

Medical sequencing